The following is an entry in ClinVar:

ClinVar aggregate classification (germline): Likely pathogenic (1 of 4 stars; one submission).

gnomAD v4.1: 1 of 1,613,600 alleles (0.000062%); highest among the groups gnomAD compares: Non-Finnish European, 0.000085%; no homozygotes.

Submission:

Labcorp Genetics (formerly Invitae), Labcorp
Classification: Likely pathogenic. Last evaluated: 2025-08-26. Review status: criteria provided, single submitter. Criteria: Invitae Variant Classification Sherloc (09022015). Collection method: clinical testing. Allele origin: germline.
Comment: This sequence change affects a donor splice site in intron 21 of the ADAMTS10 gene. It is expected to disrupt RNA splicing. Variants that disrupt the donor or acceptor splice site typically lead to a loss of protein function (PMID: 16199547), and loss-of-function variants in ADAMTS10 are known to be pathogenic (PMID: 15368195, 18567016). This variant is not present in population databases (gnomAD no frequency). This variant has not been reported in the literature in individuals affected with ADAMTS10-related conditions. Algorithms developed to predict the effect of sequence changes on RNA splicing suggest that this variant may disrupt the consensus splice site. In summary, the currently available evidence indicates that the variant is pathogenic, but additional data are needed to prove that conclusively. Therefore, this variant has been classified as Likely Pathogenic.

Literature cited by the submitters: PubMed 16199547; PubMed 15368195; PubMed 18567016.

NM_030957.4(ADAMTS10):c.2530+1G>A

Gene: ADAMTS10 (ADAM metallopeptidase with thrombospondin type 1 motif 10; minus strand). Cytogenetic location: 19p13.2.
Variant type: single nucleotide variant.
Coding change: c.2530+1G>A on transcript NM_030957.4 (MANE Select); the canonical splice donor site of the intron after coding-DNA position 2530, G replaced by A.
Molecular consequence: splice donor variant.
Genome position (GRCh38, 1-based): chr19:8,586,343, C>T on the plus strand (G>A on the coding strand, the complement: ADAMTS10 is on the minus strand). VCF-style: chr19-8586343-C-T. GRCh37 (hg19) VCF-style: chr19-8651227-C-T.
Other names: c.991+1G>A (NM_001282352.2).
Identifiers: ClinVar variation 4771986 (VCV004771986.1).